The following is an entry in ClinVar:

NM_001130053.5(EEF1D):c.966C>A (p.Tyr322Ter)

Gene: EEF1D (eukaryotic translation elongation factor 1 delta; minus strand). Cytogenetic location: 8q24.3.
Variant type: single nucleotide variant.
Coding change: c.966C>A on transcript NM_001130053.5 (MANE Select); coding-DNA position 966, C replaced by A.
Protein change: p.Tyr322Ter; replaces tyrosine 322 with a stop codon.
Molecular consequence: nonsense. On other transcripts: intron variant (8).
Genome position (GRCh38, 1-based): chr8:143,589,116, G>T on the plus strand (C>A on the coding strand, the complement: EEF1D is on the minus strand). VCF-style: chr8-143589116-G-T. GRCh37 (hg19) VCF-style: chr8-144671286-G-T.
Other names: c.-7-2264C>A (NM_001130056.5, NM_001195203.4, NM_001960.7 and 2 more transcripts); c.-4-2267C>A (NM_001130055.4, NM_001317743.4, NM_001289950.4); c.966C>A, p.Tyr322Ter (NM_032378.7); short protein forms Y322*.
Identifiers: ClinVar variation 4292322 (VCV004292322.1).

ClinVar aggregate classification (germline): Pathogenic (1 of 4 stars; one submission).

Conditions:
Neurodevelopmental disorder with thin corpus callosum, hypotonia, and absent language. Identifiers: MedGen C6012708, MONDO:0976263, OMIM 621150.

Submission:

3billion
Classification: Pathogenic for Neurodevelopmental disorder with thin corpus callosum, hypotonia, and absent language. Last evaluated: 2025-03-05. Review status: criteria provided, single submitter. Criteria: ACMG Guidelines, 2015. Collection method: clinical testing. Allele origin: germline. Affected: yes.
Comment: The variant is not observed in the gnomAD v4.1.0 dataset. Predicted Consequence/Location: Stop-gained (nonsense): predicted to result in a loss or disruption of normal protein function through nonsense-mediated decay (NMD) or protein truncation. Multiple pathogenic variants are reported downstream of the variant. Therefore, this variant is classified as Pathogenic according to the recommendation of ACMG/AMP guideline.